The following is an entry in ClinVar:

ClinVar aggregate classification (germline): Uncertain significance (1 of 4 stars; one submission).

Allele frequency attached by ClinVar (database versions not stated): TOPMed below 0.00001.

Submission:

GeneDx
Classification: Uncertain significance. Last evaluated: 2017-01-30. Review status: criteria provided, single submitter. Criteria: GeneDx Variant Classification (06012015). Collection method: clinical testing. Allele origin: germline. Affected: yes.
Comment: The I923M variant in the RP1 gene has not been reported previously as a pathogenic variant, nor as a benign variant, to our knowledge. The I923M variant is not observed in large population cohorts (Lek et al., 2016; 1000 Genomes Consortium et al., 2015; Exome Variant Server). The I923M variant is a conservative amino acid substitution, which is not likely to impact secondary protein structure as these residues share similar properties. This substitution occurs at a position that is not conserved. In silico analysis is inconsistent in its predictions as to whether or not the variant is damaging to the protein structure/function. We interpret I923M as a variant of uncertain significance.

NM_006269.2(RP1):c.2769A>G (p.Ile923Met)

Gene: RP1 (RP1 axonemal microtubule associated; plus strand). Cytogenetic location: 8q12.1.
Variant type: single nucleotide variant.
Coding change: c.2769A>G on transcript NM_006269.2 (MANE Select); coding-DNA position 2769, A replaced by G.
Protein change: p.Ile923Met; replaces isoleucine 923 with methionine.
Molecular consequence: missense variant.
Genome position (GRCh38, 1-based): chr8:54,626,651, A>G. VCF-style: chr8-54626651-A-G. GRCh37 (hg19) VCF-style: chr8-55539211-A-G.
Other names: short protein forms I923M.
Identifiers: ClinVar variation 423064 (VCV000423064.2), dbSNP rs1064796204, ClinGen allele CA16618648.